The following is an entry in ClinVar:

NM_017617.5(NOTCH1):c.6427A>C (p.Asn2143His)

Gene: NOTCH1 (notch receptor 1; minus strand). Cytogenetic location: 9q34.3.
Variant type: single nucleotide variant.
Coding change: c.6427A>C on transcript NM_017617.5 (MANE Select); coding-DNA position 6427, A replaced by C.
Protein change: p.Asn2143His; replaces asparagine 2143 with histidine.
Molecular consequence: missense variant.
Genome position (GRCh38, 1-based): chr9:136,497,312, T>G on the plus strand (A>C on the coding strand, the complement: NOTCH1 is on the minus strand). VCF-style: chr9-136497312-T-G. GRCh37 (hg19) VCF-style: chr9-139391764-T-G.
Other names: short protein forms N2143H.
Identifiers: ClinVar variation 2659743 (VCV002659743.24), dbSNP rs1842932672, ClinGen allele CA375631770.

ClinVar aggregate classification (germline): Uncertain significance (1 of 4 stars; one submission).

Allele frequency attached by ClinVar (database versions not stated): gnomAD exomes below 0.00001.
gnomAD v4.1: 1 of 1,607,446 alleles (0.000062%); highest among the groups gnomAD compares: Non-Finnish European, 0.000085%; no homozygotes.

Submission:

CeGaT Center for Human Genetics Tuebingen
Classification: Uncertain significance. Last evaluated: 2023-04-01. Review status: criteria provided, single submitter. Criteria: CeGaT Center For Human Genetics Tuebingen Variant Classification Criteria Version 2. Collection method: clinical testing. Allele origin: germline. Affected: yes. Observed: 1 variant allele.
Comment: NOTCH1: PM2, PP2